The following is an entry in ClinVar:

NM_015213.4(DENND5A):c.949+1G>C

Gene: DENND5A (DENN domain containing 5A; minus strand). Cytogenetic location: 11p15.4.
Variant type: single nucleotide variant.
Coding change: c.949+1G>C on transcript NM_015213.4 (MANE Select); the canonical splice donor site of the intron after coding-DNA position 949, G replaced by C.
Molecular consequence: splice donor variant.
Genome position (GRCh38, 1-based): chr11:9,203,659, C>G on the plus strand (G>C on the coding strand, the complement: DENND5A is on the minus strand). VCF-style: chr11-9203659-C-G. GRCh37 (hg19) VCF-style: chr11-9225206-C-G.
Other names: c.877+1G>C (NM_001348749.2); c.949+1G>C (NM_001243254.2); c.661+1G>C (NM_001348750.2).
Identifiers: ClinVar variation 1978557 (VCV001978557.4), dbSNP rs1849592470, ClinGen allele CA379596832.
Genomic context (GRCh38, chr11:9,203,659, plus strand): 5'-CTGAACATGGAAAGCAAAGAAGCCTGAGGCAGGCAGAAGGCTCTAGTAAGCACTGACTTA[C>G]GCTGTGAGTAGAGCAGGATTTGAAACTCCAGAAGGGCACAAGTAAAAAGCTGAAACACAT-3'

ClinVar aggregate classification (germline): Likely pathogenic (1 of 4 stars; one submission).

Submission:

Labcorp Genetics (formerly Invitae), Labcorp
Classification: Likely pathogenic. Last evaluated: 2022-09-23. Review status: criteria provided, single submitter. Criteria: Invitae Variant Classification Sherloc (09022015). Collection method: clinical testing. Allele origin: germline.
Comment: This variant is not present in population databases (gnomAD no frequency). This sequence change affects a donor splice site in intron 4 of the DENND5A gene. It is expected to disrupt RNA splicing. Variants that disrupt the donor or acceptor splice site typically lead to a loss of protein function (PMID: 16199547), and loss-of-function variants in DENND5A are known to be pathogenic (PMID: 27431290, 27866705). This variant has not been reported in the literature in individuals affected with DENND5A-related conditions. Algorithms developed to predict the effect of sequence changes on RNA splicing suggest that this variant may disrupt the consensus splice site. In summary, the currently available evidence indicates that the variant is pathogenic, but additional data are needed to prove that conclusively. Therefore, this variant has been classified as Likely Pathogenic.

Literature cited by the submitters: PubMed 16199547; PubMed 27431290; PubMed 27866705.